The following is an entry in ClinVar:

NM_024675.4(PALB2):c.2765T>C (p.Ile922Thr)

Gene: PALB2 (partner and localizer of BRCA2; minus strand). Cytogenetic location: 16p12.2.
Variant type: single nucleotide variant.
Coding change: c.2765T>C on transcript NM_024675.4 (MANE Select); coding-DNA position 2765, T replaced by C.
Protein change: p.Ile922Thr; replaces isoleucine 922 with threonine.
Molecular consequence: missense variant.
Genome position (GRCh38, 1-based): chr16:23,624,078, A>G on the plus strand (T>C on the coding strand, the complement: PALB2 is on the minus strand). VCF-style: chr16-23624078-A-G. GRCh37 (hg19) VCF-style: chr16-23635399-A-G.
Other names: short protein forms I922T.
Identifiers: ClinVar variation 920268 (VCV000920268.6), dbSNP rs1060499822, ClinGen allele CA395145195.

ClinVar aggregate classification (germline): Uncertain significance. Review status: criteria provided, multiple submitters, no conflicts (2 of 4 stars). 2 submissions from 2 submitters: Uncertain significance (2). Last evaluated 2022-04-18.

Conditions:
Hereditary cancer-predisposing syndrome. Also called: Neoplastic Syndromes, Hereditary; Tumor predisposition; Hereditary Cancer Syndrome; Hereditary neoplastic syndrome. Identifiers: Orphanet 140162, MedGen C0027672, MeSH D009386, MONDO:0015356.

Submissions (2):

Color Diagnostics, LLC DBA Color Health
Classification: Uncertain significance for Hereditary cancer-predisposing syndrome. Last evaluated: 2022-04-18. Review status: criteria provided, single submitter. Criteria: ACMG Guidelines, 2015. Collection method: clinical testing. Allele origin: germline.
Comment: This missense variant replaces isoleucine with threonine at codon 922 of the PALB2 protein. Computational prediction suggests that this variant may not impact protein structure and function (internally defined REVEL score threshold <= 0.5, PMID: 27666373). To our knowledge, functional studies have not been reported for this variant. This variant has not been reported in individuals affected with hereditary cancer in the literature. This variant has not been identified in the general population by the Genome Aggregation Database (gnomAD). The available evidence is insufficient to determine the role of this variant in disease conclusively. Therefore, this variant is classified as a Variant of Uncertain Significance.

GeneDx
Classification: Uncertain significance. Last evaluated: 2019-06-06. Review status: criteria provided, single submitter. Criteria: GeneDx Variant Classification Process June 2021. Collection method: clinical testing. Allele origin: germline. Affected: yes.
Comment: Not observed in large population cohorts (Lek et al., 2016); Has not been previously published as pathogenic or benign to our knowledge